The following is an entry in ClinVar:

NM_001346754.2(PIGW):c.833T>G (p.Phe278Cys)

Genes: MYO19 (myosin XIX; minus strand), PIGW (phosphatidylinositol glycan anchor biosynthesis class W; plus strand). Cytogenetic location: 17q12.
Variant type: single nucleotide variant.
Coding change: c.833T>G on transcript NM_001346754.2 (MANE Select); coding-DNA position 833, T replaced by G.
Protein change: p.Phe278Cys; replaces phenylalanine 278 with cysteine.
Molecular consequence: missense variant.
Genome position (GRCh38, 1-based): chr17:36,537,934, T>G. VCF-style: chr17-36537934-T-G. GRCh37 (hg19) VCF-style: chr17-34893783-T-G.
Other names: c.833T>G, p.Phe278Cys (NM_001346755.2, NM_178517.5); short protein forms F278C.
Identifiers: ClinVar variation 1714859 (VCV001714859.6), dbSNP rs1176881838, ClinGen allele CA399163690.

ClinVar aggregate classification (germline): Uncertain significance (1 of 4 stars; one submission).

Conditions:
Hyperphosphatasia with intellectual disability syndrome 5 (GPIBD11). Also called: GLYCOSYLPHOSPHATIDYLINOSITOL BIOSYNTHESIS DEFECT 11. Identifiers: Orphanet 247262, MedGen C4014958, MONDO:0014457, OMIM 616025.

Allele frequency attached by ClinVar (database versions not stated): gnomAD exomes below 0.00001.

Submission:

Labcorp Genetics (formerly Invitae), Labcorp
Classification: Uncertain significance for Hyperphosphatasia with intellectual disability syndrome 5. Last evaluated: 2022-08-02. Review status: criteria provided, single submitter. Criteria: Invitae Variant Classification Sherloc (09022015). Collection method: clinical testing. Allele origin: germline.
Comment: This sequence change replaces phenylalanine, which is neutral and non-polar, with cysteine, which is neutral and slightly polar, at codon 278 of the PIGW protein (p.Phe278Cys). This variant is present in population databases (no rsID available, gnomAD 0.003%). This variant has not been reported in the literature in individuals affected with PIGW-related conditions. Algorithms developed to predict the effect of missense changes on protein structure and function (SIFT, PolyPhen-2, Align-GVGD) all suggest that this variant is likely to be tolerated. In summary, the available evidence is currently insufficient to determine the role of this variant in disease. Therefore, it has been classified as a Variant of Uncertain Significance.